The following is an entry in ClinVar:

ClinVar aggregate classification (germline): Uncertain significance. Review status: criteria provided, multiple submitters, no conflicts (2 of 4 stars). 2 submissions from 2 submitters: Uncertain significance (2). Last evaluated 2025-05-30.

Conditions:
Neurofibromatosis, type 1 (NF1). Also called: Neurofibromatosis, type I; Peripheral type neurofibromatosis; VON RECKLINGHAUSEN DISEASE; NEUROFIBROMATOSIS, TYPE I, SOMATIC. Identifiers: Orphanet 636, MedGen C0027831, MONDO:0018975, OMIM 162200. Disease mechanism: loss of function.

Submissions (2):

GeneDx
Classification: Uncertain significance. Last evaluated: 2025-05-30. Review status: criteria provided, single submitter. Criteria: GeneDx Variant Classification Process June 2021. Collection method: clinical testing. Allele origin: germline. Affected: yes.
Comment: Not observed at significant frequency in large population cohorts (gnomAD); In silico analysis supports that this missense variant has a deleterious effect on protein structure/function; Has not been previously published as pathogenic or benign to our knowledge; This variant is associated with the following publications: (PMID: 25486365)

Labcorp Genetics (formerly Invitae), Labcorp
Classification: Uncertain significance for Neurofibromatosis, type 1. Last evaluated: 2025-02-16. Review status: criteria provided, single submitter. Criteria: Invitae Variant Classification Sherloc (09022015). Collection method: clinical testing. Allele origin: germline.
Comment: This sequence change replaces alanine, which is neutral and non-polar, with threonine, which is neutral and polar, at codon 548 of the NF1 protein (p.Ala548Thr). This variant is not present in population databases (gnomAD no frequency). This variant has not been reported in the literature in individuals affected with NF1-related conditions. An algorithm developed to predict the effect of missense changes on protein structure and function (PolyPhen-2) suggests that this variant is likely to be disruptive. In summary, the available evidence is currently insufficient to determine the role of this variant in disease. Therefore, it has been classified as a Variant of Uncertain Significance.

NM_001042492.3(NF1):c.1642G>A (p.Ala548Thr)

Gene: NF1 (neurofibromin 1; plus strand). Cytogenetic location: 17q11.2.
Variant type: single nucleotide variant.
Coding change: c.1642G>A on transcript NM_001042492.3 (MANE Select); coding-DNA position 1642, G replaced by A.
Protein change: p.Ala548Thr; replaces alanine 548 with threonine.
Molecular consequence: missense variant.
Genome position (GRCh38, 1-based): chr17:31,221,850, G>A. VCF-style: chr17-31221850-G-A. GRCh37 (hg19) VCF-style: chr17-29548868-G-A.
Other names: c.1642G>A, p.Ala548Thr (NM_000267.4, NM_001128147.3); short protein forms A548T.
Identifiers: ClinVar variation 4532749 (VCV004532749.2).